The following is an entry in ClinVar:

ClinVar aggregate classification (germline): Pathogenic (1 of 4 stars; one submission).

Conditions:
Marfan syndrome (MFS). Also called: Marfan syndrome type 1; Marfan's syndrome; FBN1-Related Marfan Syndrome; MARFAN SYNDROME, TYPE I; Marfan syndrome, classic. Identifiers: Orphanet 284963, Orphanet 558, MedGen C0024796, MONDO:0007947, OMIM 154700.
Familial thoracic aortic aneurysm and aortic dissection (TAAD). Also called: Thoracic aortic aneurysms and dissections. Identifiers: Orphanet 91387, MedGen C4707243, MONDO:0019625.

Submission:

Labcorp Genetics (formerly Invitae), Labcorp
Classification: Pathogenic for Marfan syndrome; Familial thoracic aortic aneurysm and aortic dissection. Last evaluated: 2021-07-24. Review status: criteria provided, single submitter. Criteria: Invitae Variant Classification Sherloc (09022015). Collection method: clinical testing. Allele origin: germline.
Comment: For these reasons, this variant has been classified as Pathogenic. This sequence change creates a premature translational stop signal (p.Leu1639*) in the FBN1 gene. It is expected to result in an absent or disrupted protein product. Loss-of-function variants in FBN1 are known to be pathogenic (PMID: 17657824, 19293843). This variant is not present in population databases (ExAC no frequency). This variant has not been reported in the literature in individuals affected with FBN1-related conditions.

Literature cited by the submitters: PubMed 17657824; PubMed 19293843.

NM_000138.5(FBN1):c.4915del (p.Tyr1638_Leu1639insTer)

Gene: FBN1 (fibrillin 1; minus strand). Cytogenetic location: 15q21.1.
Variant type: Deletion.
Coding change: c.4915del on transcript NM_000138.5 (MANE Select); coding-DNA position 4915, one base deleted (C; older notation c.4915delC).
Protein change: p.Tyr1638_Leu1639insTer.
Molecular consequence: nonsense.
Genome position (GRCh38, 1-based): chr15:48,465,595, G deleted on the plus strand (C on the coding strand, the reverse complement: FBN1 is on the minus strand); the first of 2 consecutive G bases (chr15:48,465,595-48,465,596); deleting either gives the same sequence. VCF-style (leftmost placement, unchanged base first): chr15-48465594-AG-A. GRCh37 (hg19) VCF-style: chr15-48757791-AG-A.
Identifiers: ClinVar variation 1380292 (VCV001380292.6), dbSNP rs2141269593, ClinGen allele CA2573150777.